The following is an entry in ClinVar:

NM_002691.4(POLD1):c.1107G>C (p.Gln369His)

Gene: POLD1 (DNA polymerase delta 1, catalytic subunit; plus strand). Cytogenetic location: 19q13.33.
Variant type: single nucleotide variant.
Coding change: c.1107G>C on transcript NM_002691.4 (MANE Select); coding-DNA position 1107, G replaced by C.
Protein change: p.Gln369His; replaces glutamine 369 with histidine.
Molecular consequence: missense variant. On other transcripts: non-coding transcript variant (1).
Genome position (GRCh38, 1-based): chr19:50,403,189, G>C. VCF-style: chr19-50403189-G-C. GRCh37 (hg19) VCF-style: chr19-50906446-G-C.
Other names: c.1107G>C, p.Gln369His (NM_001256849.1, NM_001308632.1); short protein forms Q369H.
Identifiers: ClinVar variation 484383 (VCV000484383.16), dbSNP rs1400257948, ClinGen allele CA406978339.

ClinVar aggregate classification (germline): Conflicting classifications of pathogenicity. Review status: criteria provided, conflicting classifications (1 of 4 stars). 4 submissions from 4 submitters: Uncertain significance (3); Likely benign (1). Last evaluated 2025-08-31.

Conditions:
Hereditary cancer-predisposing syndrome. Also called: Tumor predisposition; Hereditary Cancer Syndrome; Hereditary neoplastic syndrome; Neoplastic Syndromes, Hereditary. Identifiers: Orphanet 140162, MedGen C0027672, MeSH D009386, MONDO:0015356.
POLD1-related polyposis and colorectal cancer syndrome (CRCS10). Also called: Colorectal cancer 10; COLORECTAL CANCER, SUSCEPTIBILITY TO, ON CHROMOSOME 19q; Colorectal cancer, susceptibility to, 10. Identifiers: Orphanet 220460, MedGen C2675481, MONDO:0012953, OMIM 612591.

Allele frequency attached by ClinVar (database versions not stated): TOPMed 0.00001.
gnomAD v4.1: 6 of 1,561,812 alleles (0.00038%); highest among the groups gnomAD compares: Non-Finnish European, 0.00052%; no homozygotes.

Submissions (4):

Labcorp Genetics (formerly Invitae), Labcorp
Classification: Uncertain significance for POLD1-related polyposis and colorectal cancer syndrome. Last evaluated: 2025-08-31. Review status: criteria provided, single submitter. Criteria: Invitae Variant Classification Sherloc (09022015). Collection method: clinical testing. Allele origin: germline.
Comment: This sequence change replaces glutamine, which is neutral and polar, with histidine, which is basic and polar, at codon 369 of the POLD1 protein (p.Gln369His). This variant is not present in population databases (gnomAD no frequency). This variant has not been reported in the literature in individuals affected with POLD1-related conditions. ClinVar contains an entry for this variant (Variation ID: 484383). Invitae Evidence Modeling of protein sequence and biophysical properties (such as structural, functional, and spatial information, amino acid conservation, physicochemical variation, residue mobility, and thermodynamic stability) indicates that this missense variant is not expected to disrupt POLD1 protein function with a negative predictive value of 80%. In summary, the available evidence is currently insufficient to determine the role of this variant in disease. Therefore, it has been classified as a Variant of Uncertain Significance.

Ambry Genetics
Classification: Likely benign for Hereditary cancer-predisposing syndrome. Last evaluated: 2025-02-05. Review status: criteria provided, single submitter. Criteria: Ambry Variant Classification Scheme 2023. Collection method: clinical testing. Allele origin: germline.

Baylor Genetics
Classification: Uncertain significance for POLD1-related polyposis and colorectal cancer syndrome. Last evaluated: 2023-09-20. Review status: criteria provided, single submitter. Criteria: ACMG Guidelines, 2015. Collection method: clinical testing. Allele origin: unknown.

Quest Diagnostics Nichols Institute San Juan Capistrano
Classification: Uncertain significance. Last evaluated: 2018-03-17. Review status: criteria provided, single submitter. Criteria: Quest Diagnostics criteria. Collection method: clinical testing. Allele origin: germline.

Literature cited by the submitters: PubMed 28912153 (cited by Ambry Genetics).